The following is an entry in ClinVar:

NM_013276.4(SHPK):c.1259A>T (p.Gln420Leu)

Gene: SHPK (sedoheptulokinase; minus strand). Cytogenetic location: 17p13.2.
Variant type: single nucleotide variant.
Coding change: c.1259A>T on transcript NM_013276.4 (MANE Select); coding-DNA position 1259, A replaced by T.
Protein change: p.Gln420Leu; replaces glutamine 420 with leucine.
Molecular consequence: missense variant.
Genome position (GRCh38, 1-based): chr17:3,610,738, T>A on the plus strand (A>T on the coding strand, the complement: SHPK is on the minus strand). VCF-style: chr17-3610738-T-A. GRCh37 (hg19) VCF-style: chr17-3514032-T-A.
Other names: short protein forms Q420L.
Identifiers: ClinVar variation 1924706 (VCV001924706.5), dbSNP rs746204234, ClinGen allele CA8291054.
Genomic context (GRCh38, chr17:3,610,738, plus strand): 5'-AGCACGTCATTCCTGGACAGCGCACTCCCACTGCCCATCACCCTCTCCACGCCCCACTCC[T>A]GGAGCTGCTGAATCGGAAGCATGGAGTGCAGGTTCTGAACAATGCCTCGGCACAGAGCCC-3'
Protein context (NP_037408.2, residues 410-430): LHSMLPIQQL[Gln420Leu]EWGVERVMGS

ClinVar aggregate classification (germline): Uncertain significance (1 of 4 stars; one submission).

Allele frequency attached by ClinVar (database versions not stated): ExAC 0.00001; gnomAD 0.00002; TOPMed 0.00002; gnomAD exomes 0.00007.
gnomAD v4.1: 96 of 1,613,982 alleles (0.0059%); highest among the groups gnomAD compares: Non-Finnish European, 0.0078%; no homozygotes.

Submission:

Labcorp Genetics (formerly Invitae), Labcorp
Classification: Uncertain significance. Last evaluated: 2024-03-01. Review status: criteria provided, single submitter. Criteria: Invitae Variant Classification Sherloc (09022015). Collection method: clinical testing. Allele origin: germline.
Comment: This sequence change replaces glutamine, which is neutral and polar, with leucine, which is neutral and non-polar, at codon 420 of the SHPK protein (p.Gln420Leu). This variant is present in population databases (rs746204234, gnomAD 0.005%). This variant has not been reported in the literature in individuals affected with SHPK-related conditions. ClinVar contains an entry for this variant (Variation ID: 1924706). An algorithm developed to predict the effect of missense changes on protein structure and function (PolyPhen-2) suggests that this variant is likely to be tolerated. In summary, the available evidence is currently insufficient to determine the role of this variant in disease. Therefore, it has been classified as a Variant of Uncertain Significance.